The following is an entry in ClinVar:

NM_130384.3(ATRIP):c.2002G>T (p.Val668Leu)

Genes: ATRIP (ATR interacting protein; plus strand), ATRIP-TREX1 (ATRIP-TREX1 readthrough; plus strand). Cytogenetic location: 3p21.31.
Variant type: single nucleotide variant.
Coding change: c.2002G>T on transcript NM_130384.3 (MANE Select); coding-DNA position 2002, G replaced by T.
Protein change: p.Val668Leu; replaces valine 668 with leucine.
Molecular consequence: missense variant. On other transcripts: non-coding transcript variant (1), intron variant (1).
Genome position (GRCh38, 1-based): chr3:48,464,609, G>T. VCF-style: chr3-48464609-G-T. GRCh37 (hg19) VCF-style: chr3-48506008-G-T.
Other names: c.1621G>T, p.Val541Leu (NM_001271022.2); c.1723G>T, p.Val575Leu (NM_001271023.2); c.1975-222G>T (NM_032166.4); short protein forms V541L, V668L, V575L.
Identifiers: ClinVar variation 3809020 (VCV003809020.1).

ClinVar aggregate classification (germline): Uncertain significance (1 of 4 stars; one submission).

Submission:

Ambry Genetics
Classification: Uncertain significance. Last evaluated: 2024-12-15. Review status: criteria provided, single submitter. Criteria: Ambry Variant Classification Scheme 2023. Collection method: clinical testing. Allele origin: germline.
Comment: The p.V668L variant (also known as c.2002G>T), located in coding exon 11 of the ATRIP gene, results from a G to T substitution at nucleotide position 2002. The valine at codon 668 is replaced by leucine, an amino acid with highly similar properties. This amino acid position is conserved. In addition, this alteration is predicted to be tolerated by in silico analysis. Based on the available evidence, the clinical significance of this variant remains unclear.